The following is an entry in ClinVar:

ClinVar aggregate classification (germline): Likely benign (1 of 4 stars; one submission).

Conditions:
SEMA3A-related disorder. Also called: SEMA3A-related condition.

Submission:

PreventionGenetics, part of Exact Sciences
Classification: Likely benign for SEMA3A-related condition. Last evaluated: 2026-06-20. Review status: criteria provided, single submitter. Criteria: ACMG Guidelines, 2015. Collection method: clinical testing. Allele origin: germline.
Comment: This variant is classified as likely benign based on ACMG/AMP sequence variant interpretation guidelines (Richards et al. 2015 PMID: 25741868, with internal and published modifications).

NM_006080.3(SEMA3A):c.1932A>C (p.Ser644=)

Gene: SEMA3A (semaphorin 3A; minus strand). Cytogenetic location: 7q21.11.
Variant type: single nucleotide variant.
Coding change: c.1932A>C on transcript NM_006080.3 (MANE Select); coding-DNA position 1932, A replaced by C.
Protein change: p.Ser644=; no amino-acid change (serine 644 retained).
Molecular consequence: synonymous variant.
Genome position (GRCh38, 1-based): chr7:83,961,755, T>G on the plus strand (A>C on the coding strand, the complement: SEMA3A is on the minus strand). VCF-style: chr7-83961755-T-G. GRCh37 (hg19) VCF-style: chr7-83591071-T-G.
Identifiers: ClinVar variation 5002115 (VCV005002115.1).
Genomic context (GRCh38, chr7:83,961,755, plus strand): 5'-GGTTACCTTAAGAAGAGTTTGTATGAACCCATGTTCCACCGCATGGCAGAGGTAATTGCC[T>G]GAATCCTTCTGTTGTAGACTACGTAGCAGAAGGCCTTGATCTGTCCTGATGATATGATCA-3'
Protein context (NP_006071.1, residues 634-654): LLLRSLQQKD[Ser644=]GNYLCHAVEH